The following is an entry in ClinVar:

ClinVar aggregate classification (germline): Uncertain significance (1 of 4 stars; one submission).

Submission:

GeneDx
Classification: Uncertain significance. Last evaluated: 2025-12-23. Review status: criteria provided, single submitter. Criteria: GeneDx Variant Classification Process June 2021. Collection method: clinical testing. Allele origin: germline.
Comment: Not observed at significant frequency in large population cohorts (gnomAD); In silico analysis supports that this missense variant has a deleterious effect on protein structure/function; Has not been previously published as pathogenic or benign to our knowledge

NM_012310.5(KIF4A):c.3316T>G (p.Cys1106Gly)

Gene: KIF4A (kinesin family member 4A; plus strand). Cytogenetic location: Xq13.1.
Variant type: single nucleotide variant.
Coding change: c.3316T>G on transcript NM_012310.5 (MANE Select); coding-DNA position 3316, T replaced by G.
Protein change: p.Cys1106Gly; replaces cysteine 1106 with glycine.
Molecular consequence: missense variant.
Genome position (GRCh38, 1-based): chrX:70,417,948, T>G. VCF-style: chrX-70417948-T-G. GRCh37 (hg19) VCF-style: chrX-69637798-T-G.
Other names: short protein forms C1106G.
Identifiers: ClinVar variation 3365424 (VCV003365424.2).
Genomic context (GRCh38, chrX:70,417,948, plus strand): 5'-TGTTCCTGCAAGGGCTGGTGTGGAAACAAGCAGTGTGGGTGCAGGAAGCAAAAGTCAGAC[T>G]GTGGTGTGGACTGTTGCTGTGACCCCACAAAGTGTCGGAACCGCCAGCAAGGCAAGGTAG-3'
Protein context (NP_036442.3, residues 1096-1116): QCGCRKQKSD[Cys1106Gly]GVDCCCDPTK